The following is an entry in ClinVar:

NM_000350.3(ABCA4):c.998G>A (p.Arg333Gln)

Gene: ABCA4 (ATP binding cassette subfamily A member 4; minus strand). Cytogenetic location: 1p22.1.
Variant type: single nucleotide variant.
Coding change: c.998G>A on transcript NM_000350.3 (MANE Select); coding-DNA position 998, G replaced by A.
Protein change: p.Arg333Gln; replaces arginine 333 with glutamine.
Molecular consequence: missense variant.
Genome position (GRCh38, 1-based): chr1:94,080,579, C>T on the plus strand (G>A on the coding strand, the complement: ABCA4 is on the minus strand). VCF-style: chr1-94080579-C-T. GRCh37 (hg19) VCF-style: chr1-94546135-C-T.
Other names: c.998G>A, p.Arg333Gln (NM_001425324.1); short protein forms R333Q.
Identifiers: ClinVar variation 937074 (VCV000937074.11), dbSNP rs142231757, ClinGen allele CA958662.

ClinVar aggregate classification (germline): Conflicting classifications of pathogenicity. Review status: criteria provided, conflicting classifications (1 of 4 stars). 3 submissions from 3 submitters: Uncertain significance (2); Likely benign (1). Last evaluated 2025-08-19.

Conditions:
ABCA4-related disorder. Also called: ABCA4-related condition; ABCA4-related disorders. Identifiers: MedGen CN239167.

Allele frequency attached by ClinVar (database versions not stated): gnomAD exomes 0.00002 and 0.00012; gnomAD 0.00004; TOPMed 0.00004; ESP Exome Variant Server 0.00008; ExAC 0.00012.
gnomAD v4.1: 42 of 1,613,978 alleles (0.0026%); highest among the groups gnomAD compares: East Asian, 0.033%; no homozygotes.

Submissions (3):

PreventionGenetics, part of Exact Sciences
Classification: Uncertain significance for ABCA4-related condition. Last evaluated: 2025-08-19. Review status: criteria provided, single submitter. Criteria: ACMG Guidelines, 2015. Collection method: clinical testing. Allele origin: germline.
Comment: The ABCA4 c.998G>A variant is predicted to result in the amino acid substitution p.Arg333Gln. This variant has been reported in a cohort study of macular degeneration (Stenirri et al. 2008. PubMed ID: 18652558) and in the heterozygous state in the absence of a second ABCA4 variant in an individual with retinal disease (Table S3, Mihalich et al. 2024. PubMed ID: 38927702). This variant is present in 0.12% of alleles in individuals of East Asian descent in gnomAD, indicating it is relatively common in this population. At this time, the clinical significance of this variant is uncertain due to the absence of conclusive functional and genetic evidence.

Labcorp Genetics (formerly Invitae), Labcorp
Classification: Likely benign. Last evaluated: 2025-07-14. Review status: criteria provided, single submitter. Criteria: Invitae Variant Classification Sherloc (09022015). Collection method: clinical testing. Allele origin: germline.

Blueprint Genetics
Classification: Uncertain significance. Last evaluated: 2024-02-13. Review status: criteria provided, single submitter. Criteria: ACMG Guidelines, 2015. Collection method: clinical testing. Allele origin: germline.